The following is an entry in ClinVar:

ClinVar aggregate classification (germline): Uncertain significance (1 of 4 stars; one submission).

Submission:

Women's Health and Genetics/Laboratory Corporation of America, LabCorp
Classification: Uncertain significance. Last evaluated: 2024-09-09. Review status: criteria provided, single submitter. Criteria: LabCorp Variant Classification Summary - May 2015. Collection method: clinical testing. Allele origin: germline.
Comment: Variant summary: COL4A3 c.3659T>A (p.Ile1220Lys) results in a non-conservative amino acid change located in the Collagen triple helix repeat (IPR008160) of the encoded protein sequence. Three of four in-silico tools predict a benign effect of the variant on protein function. The variant was absent in 212098 control chromosomes. The available data on variant occurrences in the general population are insufficient to allow any conclusion about variant significance. To our knowledge, no occurrence of c.3659T>A in individuals affected with Alport Syndrome, Autosomal Recessive and no experimental evidence demonstrating its impact on protein function have been reported. No submitters have cited clinical-significance assessments for this variant to ClinVar. Based on the evidence outlined above, the variant was classified as uncertain significance.

NM_000091.5(COL4A3):c.3659T>A (p.Ile1220Lys)

Genes: COL4A3 (collagen type IV alpha 3 chain; plus strand), MFF-DT (MFF divergent transcript; minus strand). Cytogenetic location: 2q36.3.
Variant type: single nucleotide variant.
Coding change: c.3659T>A on transcript NM_000091.5 (MANE Select); coding-DNA position 3659, T replaced by A.
Protein change: p.Ile1220Lys; replaces isoleucine 1220 with lysine.
Molecular consequence: missense variant.
Genome position (GRCh38, 1-based): chr2:227,297,767, T>A. VCF-style: chr2-227297767-T-A. GRCh37 (hg19) VCF-style: chr2-228162483-T-A.
Other names: short protein forms I1220K.
Identifiers: ClinVar variation 3374997 (VCV003374997.1).